The following is an entry in ClinVar:

NM_000530.8(MPZ):c.181G>A (p.Asp61Asn)

Gene: MPZ (myelin protein zero; minus strand). Cytogenetic location: 1q23.3.
Variant type: single nucleotide variant.
Coding change: c.181G>A on transcript NM_000530.8 (MANE Select); coding-DNA position 181, G replaced by A.
Protein change: p.Asp61Asn; replaces aspartic acid 61 with asparagine.
Molecular consequence: missense variant.
Genome position (GRCh38, 1-based): chr1:161,307,311, C>T on the plus strand (G>A on the coding strand, the complement: MPZ is on the minus strand). VCF-style: chr1-161307311-C-T. GRCh37 (hg19) VCF-style: chr1-161277101-C-T.
Other names: c.181G>A, p.Asp61Asn (NM_001315491.2, LRG_256t1); short protein forms D61N.
Identifiers: ClinVar variation 208146 (VCV000208146.14), dbSNP rs797044845, ClinGen allele CA347381.

ClinVar aggregate classification (germline): Pathogenic. Review status: criteria provided, multiple submitters, no conflicts (2 of 4 stars). 4 submissions from 4 submitters: Pathogenic (2). 2 of the submissions do not count toward it. Last evaluated 2025-09-11.

Conditions:
Charcot-Marie-Tooth disease, type I (CMT1). Also called: Charcot-Marie-Tooth disease type 1; Charcot-Marie-Tooth, Type 1. Identifiers: Orphanet 65753, MedGen C0751036, MONDO:0019011.
Charcot-Marie-Tooth disease. Also called: Charcot-Marie-Tooth Neuropathy; Charcot-Marie-Tooth Hereditary Neuropathy. Identifiers: Orphanet 166, MedGen C0007959, MONDO:0015626.
Charcot-Marie-Tooth disease type 1B. Also called: CHARCOT-MARIE-TOOTH DISEASE, AUTOSOMAL DOMINANT, WITH FOCALLY FOLDED MYELIN SHEATHS, TYPE 1B; CHARCOT-MARIE-TOOTH DISEASE, SLOW NERVE CONDUCTION TYPE, LINKED TO DUFFY; CHARCOT-MARIE-TOOTH NEUROPATHY, TYPE 1B; HEREDITARY MOTOR AND SENSORY NEUROPATHY I; HEREDITARY MOTOR AND SENSORY NEUROPATHY IB; Charcot-Marie-Tooth disease, demyelinating, type 1b. Identifiers: Orphanet 101082, MedGen C0270912, MONDO:0007307, OMIM 118200.

Submissions (4):

Labcorp Genetics (formerly Invitae), Labcorp
Classification: Pathogenic for Charcot-Marie-Tooth disease, type I. Last evaluated: 2025-09-11. Review status: criteria provided, single submitter. Criteria: Invitae Variant Classification Sherloc (09022015). Collection method: clinical testing. Allele origin: germline.
Comment: This sequence change replaces aspartic acid, which is acidic and polar, with asparagine, which is neutral and polar, at codon 61 of the MPZ protein (p.Asp61Asn). This variant is not present in population databases (gnomAD no frequency). This missense change has been observed in individual(s) with congenital hypomyelinating neuropathy and Charcot-Marie-Tooth disease (PMID: 11484669, 22451207, 23290023). In at least one individual the variant was observed to be de novo. ClinVar contains an entry for this variant (Variation ID: 208146). Invitae Evidence Modeling of protein sequence and biophysical properties (such as structural, functional, and spatial information, amino acid conservation, physicochemical variation, residue mobility, and thermodynamic stability) indicates that this missense variant is not expected to disrupt MPZ protein function with a negative predictive value of 80%. Experimental studies have shown that this missense change affects MPZ function (PMID: 22451207). This variant disrupts the p.Asp61 amino acid residue in MPZ. Other variant(s) that disrupt this residue have been determined to be pathogenic (PMID: 10764043). This suggests that this residue is clinically significant, and that variants that disrupt this residue are likely to be disease-causing. For these reasons, this variant has been classified as Pathogenic.

Athena Diagnostics
Classification: Pathogenic. Last evaluated: 2019-03-22. Review status: criteria provided, single submitter. Criteria: Athena Diagnostics Criteria. Collection method: clinical testing. Allele origin: germline.
Comment: Not found in the total gnomAD dataset, and the data is high quality (0/282678 chr). Found in at least one symptomatic patient. Predicted to have a damaging effect on the protein. Located in potentially critical domain of the protein. Damaging to protein function(s) relevant to disease mechanism.

GeneReviews
No classification provided. Condition: Charcot-Marie-Tooth disease type 1B. Review status: no classification provided. Collection method: literature only. Allele origin: germline. Affected: yes. Not counted in ClinVar's aggregate classification.

Inherited Neuropathy Consortium
Classification: Uncertain significance for Charcot-Marie-Tooth disease. Review status: no assertion criteria provided. Collection method: literature only. Allele origin: germline. Affected: yes. Not counted in ClinVar's aggregate classification.

Literature cited by the submitters: PubMed 11484669 (cited by 3 submitters); PubMed 22451207 (cited by Labcorp Genetics (formerly Invitae), Labcorp and Athena Diagnostics); PubMed 23290023 (cited by Labcorp Genetics (formerly Invitae), Labcorp and Athena Diagnostics); PubMed 10764043 (cited by Labcorp Genetics (formerly Invitae), Labcorp); PubMed 19293842 (cited by Athena Diagnostics); NCBI Bookshelf NBK1205 (cited by GeneReviews).